The following is an entry in ClinVar:

ClinVar aggregate classification (germline): Benign/Likely benign. Review status: criteria provided, multiple submitters, no conflicts (2 of 4 stars). 5 submissions from 5 submitters: Benign (4); Likely benign (1). Last evaluated 2026-01-12.

Conditions:
Osteogenesis imperfecta with normal sclerae, dominant form (OI4). Also called: OSTEOGENESIS IMPERFECTA, TYPE IV, WITH DENTINOGENESIS IMPERFECTA; OSTEOGENESIS IMPERFECTA WITH NORMAL SCLERAE; Osteogenesis imperfecta type 4; Common Variable Osteogenesis Imperfecta with Normal Sclerae; Osteogenesis Imperfecta Type IV. Identifiers: Orphanet 216820, Orphanet 666, MedGen C0268363, MONDO:0008148, OMIM 166220.
Osteogenesis imperfecta type I (OI1). Also called: Lobstein disease; OI, TYPE I; OSTEOGENESIS IMPERFECTA TARDA; OSTEOGENESIS IMPERFECTA WITH BLUE SCLERAE; Lobstein's Disease; Osteogenesis imperfecta type 1. Identifiers: Orphanet 216796, Orphanet 666, MedGen C0023931, MONDO:0008146, OMIM 166200. Disease mechanism: loss of function.
Osteoporosis. Identifiers: MedGen C0029456, MONDO:0005298, OMIM 166710, HP:0000939.
Ehlers-Danlos syndrome, arthrochalasia type. Also called: ARTHROCHALASIS MULTIPLEX CONGENITA; EDS VII, MUTANT PROCOLLAGEN TYPE; EDS VIIA; Ehlers-Danlos syndrome, arthrochalasis type; Ehlers-Danlos syndrome, arthrochalasia type, 1. Identifiers: Orphanet 1899, Orphanet 99875, Orphanet 99876, MedGen C4551623, MONDO:0007525, OMIM 130060.
Osteogenesis imperfecta, perinatal lethal (OI2). Also called: Osteogenesis imperfecta, dominant perinatal lethal; Osteogenesis imperfecta type 2; OI, TYPE II; OSTEOGENESIS IMPERFECTA CONGENITA; VROLIK TYPE OF OSTEOGENESIS IMPERFECTA; OSTEOGENESIS IMPERFECTA, TYPE II. Identifiers: Orphanet 216804, MedGen C0268358, MONDO:0008147, OMIM 166210.
Osteogenesis imperfecta type III (OI3). Also called: Osteogenesis imperfecta type 3; OI type 3; Osteogenesis imperfecta, progressively deforming with normal sclerae; OI type III; Progressively Deforming Osteogenesis Imperfecta. Identifiers: Orphanet 216812, Orphanet 666, MedGen C0268362, MONDO:0009804, OMIM 259420.
Infantile cortical hyperostosis. Also called: Caffey Disease; Hyperostosis, Cortical, Congenital; P1PK BLOOD GROUP SYSTEM, P(2) PHENOTYPE. Identifiers: Orphanet 1310, MedGen C0020497, MONDO:0007244, OMIM 114000.
Combined osteogenesis imperfecta and Ehlers-Danlos syndrome 1. Also called: OIEDS SYNDROME 1. Identifiers: MedGen C5436842, MONDO:0030854, OMIM 619115.

Allele frequency attached by ClinVar (database versions not stated): 1000 Genomes Project 0.09105; 1000 Genomes Project 30x 0.09432; TOPMed 0.13411; gnomAD 0.13641 and 0.13897.
gnomAD v4.1: 20,815 of 152,102 alleles (14%); highest among the groups gnomAD compares: Non-Finnish European, 19%; 1,672 homozygotes.

Submissions (5):

Labcorp Genetics (formerly Invitae), Labcorp
Classification: Benign for Osteogenesis imperfecta type I. Last evaluated: 2026-01-12. Review status: criteria provided, single submitter. Criteria: Invitae Variant Classification Sherloc (09022015). Collection method: clinical testing. Allele origin: germline.

Women's Health and Genetics/Laboratory Corporation of America, LabCorp
Classification: Benign. Last evaluated: 2024-11-15. Review status: criteria provided, single submitter. Criteria: LabCorp Variant Classification Summary - May 2015. Collection method: clinical testing. Allele origin: germline.
Comment: Variant summary: COL1A1 c.104-441G>T, also reported as rs1800012, is located at a position not widely known to affect splicing. Consensus agreement among computation tools predict no significant impact on normal splicing. However, these predictions have yet to be confirmed by functional studies. The variant allele was found at a frequency of 0.14 in 152102 control chromosomes in the gnomAD database, including 1672 homozygotes. The observed variant frequency is approximately 4865.67 fold of the estimated maximal expected allele frequency for a pathogenic variant in COL1A1 causing Osteogenesis Imperfecta phenotype (2.8e-05). To our knowledge, no occurrence of c.104-441G>T in individuals affected with Osteogenesis Imperfecta and no experimental evidence demonstrating its impact on protein function have been reported. ClinVar contains an entry for this variant (Variation ID: 811535). Based on the evidence outlined above, the variant was classified as benign.

Fulgent Genetics
Classification: Likely benign for Infantile cortical hyperostosis; Ehlers-Danlos syndrome, arthrochalasia type; Osteogenesis imperfecta type I; Osteogenesis imperfecta, perinatal lethal; Osteogenesis imperfecta with normal sclerae, dominant form; Osteoporosis; Osteogenesis imperfecta type III; Combined osteogenesis imperfecta and Ehlers-Danlos syndrome 1. Last evaluated: 2022-05-06. Review status: criteria provided, single submitter. Criteria: ACMG Guidelines, 2015. Collection method: clinical testing. Allele origin: unknown.

ARUP Laboratories, Molecular Genetics and Genomics, ARUP Laboratories
Classification: Benign. Last evaluated: 2018-07-09. Review status: criteria provided, single submitter. Criteria: ARUP Molecular Germline Variant Investigation Process. Collection method: clinical testing. Allele origin: germline.

Breakthrough Genomics
Classification: Benign. Review status: criteria provided, single submitter. Criteria: ACMG Guidelines, 2015. Collection method: not provided. Allele origin: germline. Inheritance: Autosomal dominant inheritance. Affected: yes.

Literature cited by the submitters: PubMed 8841196 (cited by Women's Health and Genetics/Laboratory Corporation of America, LabCorp); PubMed 9535665 (cited by Women's Health and Genetics/Laboratory Corporation of America, LabCorp); PubMed 11204438 (cited by Women's Health and Genetics/Laboratory Corporation of America, LabCorp).

NM_000088.4(COL1A1):c.104-441G>T

Gene: COL1A1 (collagen type I alpha 1 chain; minus strand). Cytogenetic location: 17q21.33.
Variant type: single nucleotide variant.
Coding change: c.104-441G>T on transcript NM_000088.4 (MANE Select); 441 bases into the intron before coding-DNA position 104, G replaced by T.
Molecular consequence: intron variant.
Genome position (GRCh38, 1-based): chr17:50,200,388, C>A on the plus strand (G>T on the coding strand, the complement: COL1A1 is on the minus strand). VCF-style: chr17-50200388-C-A. GRCh37 (hg19) VCF-style: chr17-48277749-C-A.
Identifiers: ClinVar variation 811535 (VCV000811535.18), dbSNP rs1800012, ClinGen allele CA14450308.
Genomic context (GRCh38, chr17:50,200,388, plus strand): 5'-TGGTAGAGACAGGAGGAGGGCGAGGGAGGAGAGAAGGGAGGTCCAGCCCTCATCCCGCCC[C>A]CATTCCCTGGGCAGGTGGGGTGGCGGGGGCGGGGCTAGGAGAATGGGAGCGGCTGATTGG-3'